The following is an entry in ClinVar:

NM_002691.4(POLD1):c.1532A>T (p.Tyr511Phe)

Gene: POLD1 (DNA polymerase delta 1, catalytic subunit; plus strand). Cytogenetic location: 19q13.33.
Variant type: single nucleotide variant.
Coding change: c.1532A>T on transcript NM_002691.4 (MANE Select); coding-DNA position 1532, A replaced by T.
Protein change: p.Tyr511Phe; replaces tyrosine 511 with phenylalanine.
Molecular consequence: missense variant. On other transcripts: non-coding transcript variant (1).
Genome position (GRCh38, 1-based): chr19:50,407,020, A>T. VCF-style: chr19-50407020-A-T. GRCh37 (hg19) VCF-style: chr19-50910277-A-T.
Other names: c.1532A>T (NM_002691.2); c.1532A>T, p.Tyr511Phe (NM_001256849.1, NM_001308632.1); short protein forms Y511F.
Identifiers: ClinVar variation 856116 (VCV000856116.10), dbSNP rs2038914541, ClinGen allele CA406980816.
Genomic context (GRCh38, chr19:50,407,020, plus strand): 5'-ACCCCATCCGTGCCCATCCCCAGAATGGGAACGACCAGACCCGCCGCCGCCTGGCTGTGT[A>T]CTGCCTGAAGGATGCCTACCTGCCACTGCGGCTGCTGGAGCGGCTCATGGTGCTGGTGAA-3'
Protein context (NP_002682.2, residues 501-521): NDQTRRRLAV[Tyr511Phe]CLKDAYLPLR

ClinVar aggregate classification (germline): Uncertain significance. Review status: criteria provided, multiple submitters, no conflicts (2 of 4 stars). 2 submissions from 2 submitters: Uncertain significance (2). Last evaluated 2024-09-30.

Conditions:
POLD1-related polyposis and colorectal cancer syndrome (CRCS10). Also called: Colorectal cancer 10; COLORECTAL CANCER, SUSCEPTIBILITY TO, ON CHROMOSOME 19q; Colorectal cancer, susceptibility to, 10. Identifiers: Orphanet 220460, MedGen C2675481, MONDO:0012953, OMIM 612591.
Hereditary cancer-predisposing syndrome. Also called: Tumor predisposition; Hereditary Cancer Syndrome; Hereditary neoplastic syndrome; Neoplastic Syndromes, Hereditary. Identifiers: Orphanet 140162, MedGen C0027672, MeSH D009386, MONDO:0015356.

Submissions (2):

Ambry Genetics
Classification: Uncertain significance for Hereditary cancer-predisposing syndrome. Last evaluated: 2024-09-30. Review status: criteria provided, single submitter. Criteria: Ambry Variant Classification Scheme 2023. Collection method: clinical testing. Allele origin: germline.
Comment: The p.Y511F variant (also known as c.1532A>T), located in coding exon 12 of the POLD1 gene, results from an A to T substitution at nucleotide position 1532. The tyrosine at codon 511 is replaced by phenylalanine, an amino acid with highly similar properties. This amino acid position is conserved. In addition, the in silico prediction for this alteration is inconclusive. Based on the available evidence, the clinical significance of this variant remains unclear.

Labcorp Genetics (formerly Invitae), Labcorp
Classification: Uncertain significance for POLD1-related polyposis and colorectal cancer syndrome. Last evaluated: 2019-12-04. Review status: criteria provided, single submitter. Criteria: Invitae Variant Classification Sherloc (09022015). Collection method: clinical testing. Allele origin: germline.
Comment: This variant is not present in population databases (ExAC no frequency). This sequence change replaces tyrosine with phenylalanine at codon 511 of the POLD1 protein (p.Tyr511Phe). The tyrosine residue is highly conserved and there is a small physicochemical difference between tyrosine and phenylalanine. This variant has not been reported in the literature in individuals with POLD1-related conditions. In summary, the available evidence is currently insufficient to determine the role of this variant in disease. Therefore, it has been classified as a Variant of Uncertain Significance. Algorithms developed to predict the effect of missense changes on protein structure and function are either unavailable or do not agree on the potential impact of this missense change (SIFT: "Deleterious"; PolyPhen-2: "Probably Damaging"; Align-GVGD: "Class C0").